The following is an entry in ClinVar:

ClinVar aggregate classification (germline): Likely benign. Review status: criteria provided, multiple submitters, no conflicts (2 of 4 stars). 4 submissions from 4 submitters: Likely benign (3). 1 of the submissions does not count toward it. Last evaluated 2024-01-01.

Conditions:
ARID1B-Related Disorder. Identifiers: MedGen CN381337.
Inborn genetic diseases. Identifiers: MedGen C0950123, MeSH D030342.

Allele frequency attached by ClinVar (database versions not stated): gnomAD below 0.00001 and 0.00001; TOPMed below 0.00001; gnomAD exomes 0.00006 and 0.00018; ExAC 0.00020.

Submissions (4):

Labcorp Genetics (formerly Invitae), Labcorp
Classification: Likely benign. Last evaluated: 2024-01-01. Review status: criteria provided, single submitter. Criteria: Invitae Variant Classification Sherloc (09022015). Collection method: clinical testing. Allele origin: germline.

Ambry Genetics
Classification: Likely benign for Inborn genetic diseases. Last evaluated: 2022-06-24. Review status: criteria provided, single submitter. Criteria: Ambry Variant Classification Scheme 2023. Collection method: clinical testing. Allele origin: germline.

Genetic Services Laboratory, University of Chicago
Classification: Likely benign. Last evaluated: 2019-08-20. Review status: criteria provided, single submitter. Criteria: ACMG Guidelines, 2015. Collection method: clinical testing. Allele origin: germline. Affected: no.

PreventionGenetics, part of Exact Sciences
Classification: Likely benign for ARID1B-related condition. Last evaluated: 2023-04-06. Review status: no assertion criteria provided. Collection method: clinical testing. Allele origin: germline. Not counted in ClinVar's aggregate classification.
Comment: This variant is classified as likely benign based on ACMG/AMP sequence variant interpretation guidelines (Richards et al. 2015 PMID: 25741868, with internal and published modifications).

NM_001374828.1(ARID1B):c.4165A>G (p.Met1389Val)

Gene: ARID1B (AT-rich interaction domain 1B; plus strand). Cytogenetic location: 6q25.3.
Variant type: single nucleotide variant.
Coding change: c.4165A>G on transcript NM_001374828.1 (MANE Select); coding-DNA position 4165, A replaced by G.
Protein change: p.Met1389Val; replaces methionine 1389 with valine.
Molecular consequence: missense variant.
Genome position (GRCh38, 1-based): chr6:157,190,144, A>G. VCF-style: chr6-157190144-A-G. GRCh37 (hg19) VCF-style: chr6-157511278-A-G.
Other names: c.3796A>G, p.Met1266Val (NM_020732.3); c.1666A>G, p.Met556Val (NM_001363725.2); c.4045A>G, p.Met1349Val (NM_001371656.1, NM_001374820.1); c.4006A>G, p.Met1336Val (NM_017519.3); short protein forms M1266V, M556V, M1336V, M1349V, M1389V.
Identifiers: ClinVar variation 210287 (VCV000210287.14), dbSNP rs773883674, ClinGen allele CA205186.